The following is an entry in ClinVar:

ClinVar aggregate classification (germline): Uncertain significance (1 of 4 stars; one submission).

Conditions:
Isolated microphthalmia 6. Also called: MICROPHTHALMIA, POSTERIOR NONSYNDROMIC. Identifiers: Orphanet 2542, MedGen C3150757, MONDO:0013293, OMIM 613517.

Allele frequency attached by ClinVar (database versions not stated): gnomAD exomes 0.00002; gnomAD 0.00003; TOPMed 0.00003.
gnomAD v4.1: 31 of 1,531,432 alleles (0.002%); highest among the groups gnomAD compares: Admixed American, 0.0098%; no homozygotes.

Submission:

Labcorp Genetics (formerly Invitae), Labcorp
Classification: Uncertain significance for Isolated microphthalmia 6. Last evaluated: 2022-05-21. Review status: criteria provided, single submitter. Criteria: Invitae Variant Classification Sherloc (09022015). Collection method: clinical testing. Allele origin: germline.
Comment: This sequence change falls in intron 12 of the PRSS56 gene. It does not directly change the encoded amino acid sequence of the PRSS56 protein. It affects a nucleotide within the consensus splice site. In summary, the available evidence is currently insufficient to determine the role of this variant in disease. Therefore, it has been classified as a Variant of Uncertain Significance. Variants that disrupt the consensus splice site are a relatively common cause of aberrant splicing (PMID: 17576681, 9536098). Algorithms developed to predict the effect of sequence changes on RNA splicing suggest that this variant may create or strengthen a splice site. This variant has not been reported in the literature in individuals affected with PRSS56-related conditions. This variant is present in population databases (no rsID available, gnomAD 0.002%).

Literature cited by the submitters: PubMed 17576681; PubMed 9536098.

NM_001195129.2(PRSS56):c.1521+3A>G

Gene: PRSS56 (serine protease 56; plus strand). Cytogenetic location: 2q37.1.
Variant type: single nucleotide variant.
Coding change: c.1521+3A>G on transcript NM_001195129.2 (MANE Select); 3 bases into the intron after coding-DNA position 1521, A replaced by G.
Molecular consequence: intron variant.
Genome position (GRCh38, 1-based): chr2:232,524,847, A>G. VCF-style: chr2-232524847-A-G. GRCh37 (hg19) VCF-style: chr2-233389557-A-G.
Other names: c.1524+3A>G (NM_001369848.1).
Identifiers: ClinVar variation 2181383 (VCV002181383.4), dbSNP rs1450759381, ClinGen allele CA539997858.